The following is an entry in ClinVar:

ClinVar aggregate classification (germline): Uncertain significance (1 of 4 stars; one submission).

Conditions:
Cardiovascular phenotype. Identifiers: MedGen CN230736.

Allele frequency attached by ClinVar (database versions not stated): gnomAD 0.00001.
gnomAD v4.1: 1 of 1,612,932 alleles (0.000062%); highest among the groups gnomAD compares: African/African-American, 0.0013%; no homozygotes.

Submission:

Ambry Genetics
Classification: Uncertain significance for Cardiovascular phenotype. Last evaluated: 2020-08-17. Review status: criteria provided, single submitter. Criteria: Ambry Variant Classification Scheme 2023. Collection method: clinical testing. Allele origin: germline.
Comment: The p.L983V variant (also known as c.2947T>G), located in coding exon 8 of the AKAP9 gene, results from a T to G substitution at nucleotide position 2947. The leucine at codon 983 is replaced by valine, an amino acid with highly similar properties. This amino acid position is highly conserved in available vertebrate species. In addition, this alteration is predicted to be tolerated by in silico analysis. Since supporting evidence is limited at this time, the clinical significance of this alteration remains unclear.

NM_005751.5(AKAP9):c.2947T>G (p.Leu983Val)

Gene: AKAP9 (A-kinase anchoring protein 9; plus strand). Cytogenetic location: 7q21.2.
Variant type: single nucleotide variant.
Coding change: c.2947T>G on transcript NM_005751.5 (MANE Select); coding-DNA position 2947, T replaced by G.
Protein change: p.Leu983Val; replaces leucine 983 with valine.
Molecular consequence: missense variant.
Genome position (GRCh38, 1-based): chr7:92,002,864, T>G. VCF-style: chr7-92002864-T-G. GRCh37 (hg19) VCF-style: chr7-91632178-T-G.
Other names: c.2947T>G, p.Leu983Val (NM_147185.3); short protein forms L983V.
Identifiers: ClinVar variation 1797985 (VCV001797985.2), dbSNP rs1158379374, ClinGen allele CA368125290.